The following is an entry in ClinVar:

ClinVar aggregate classification (germline): Pathogenic. Review status: criteria provided, multiple submitters, no conflicts (2 of 4 stars). 2 submissions from 2 submitters: Pathogenic (2). Last evaluated 2025-06-10.

Conditions:
Hereditary cancer-predisposing syndrome. Also called: Neoplastic Syndromes, Hereditary; Tumor predisposition; Hereditary Cancer Syndrome; Hereditary neoplastic syndrome. Identifiers: Orphanet 140162, MedGen C0027672, MeSH D009386, MONDO:0015356.
Familial cancer of breast. Also called: BREAST CANCER, FAMILIAL; Hereditary breast cancer; hereditary breast carcinoma. Identifiers: Orphanet 227535, MedGen C0346153, MONDO:0016419, OMIM 114480. Disease mechanism: loss of function.

Submissions (2):

Ambry Genetics
Classification: Pathogenic for Hereditary cancer-predisposing syndrome. Last evaluated: 2025-06-10. Review status: criteria provided, single submitter. Criteria: Ambry Variant Classification Scheme 2023. Collection method: clinical testing. Allele origin: germline.
Comment: The p.L708* pathogenic mutation (also known as c.2123T>A), located in coding exon 5 of the PALB2 gene, results from a T to A substitution at nucleotide position 2123. This changes the amino acid from a leucine to a stop codon within coding exon 5. This variant is considered to be rare based on population cohorts in the Genome Aggregation Database (gnomAD). This alteration is expected to result in loss of function by premature protein truncation or nonsense-mediated mRNA decay. As such, this alteration is interpreted as a disease-causing mutation.

Myriad Genetics, Inc.
Classification: Pathogenic for Familial cancer of breast. Last evaluated: 2023-09-12. Review status: criteria provided, single submitter. Criteria: Myriad Autosomal Dominant, Autosomal Recessive and X-Linked Classification Criteria (2023). Collection method: clinical testing. Allele origin: unknown.
Comment: This variant is considered pathogenic. This variant creates a termination codon and is predicted to result in premature protein truncation.

NM_024675.4(PALB2):c.2123T>A (p.Leu708Ter)

Gene: PALB2 (partner and localizer of BRCA2; minus strand). Cytogenetic location: 16p12.2.
Variant type: single nucleotide variant.
Coding change: c.2123T>A on transcript NM_024675.4 (MANE Select); coding-DNA position 2123, T replaced by A.
Protein change: p.Leu708Ter; replaces leucine 708 with a stop codon.
Molecular consequence: nonsense.
Genome position (GRCh38, 1-based): chr16:23,630,031, A>T on the plus strand (T>A on the coding strand, the complement: PALB2 is on the minus strand). VCF-style: chr16-23630031-A-T. GRCh37 (hg19) VCF-style: chr16-23641352-A-T.
Other names: short protein forms L708*.
Identifiers: ClinVar variation 820761 (VCV000820761.6), dbSNP rs1597090059, ClinGen allele CA395125753.